The following is an entry in ClinVar:

ClinVar aggregate classification (germline): Pathogenic (1 of 4 stars; one submission).

Submission:

Labcorp Genetics (formerly Invitae), Labcorp
Classification: Pathogenic. Last evaluated: 2021-12-12. Review status: criteria provided, single submitter. Criteria: Invitae Variant Classification Sherloc (09022015). Collection method: clinical testing. Allele origin: germline.
Comment: For these reasons, this variant has been classified as Pathogenic. This variant has not been reported in the literature in individuals affected with CLCN5-related conditions. This variant is not present in population databases (gnomAD no frequency). This sequence change creates a premature translational stop signal (p.Val424Serfs*35) in the CLCN5 gene. It is expected to result in an absent or disrupted protein product. Loss-of-function variants in CLCN5 are known to be pathogenic (PMID: 22876375, 25907713).

Literature cited by the submitters: PubMed 22876375; PubMed 25907713.

NM_001127898.4(CLCN5):c.1478dup (p.Val494fs)

Gene: CLCN5 (chloride voltage-gated channel 5; plus strand). Cytogenetic location: Xp11.23.
Variant type: Duplication.
Coding change: c.1478dup on transcript NM_001127898.4 (MANE Select); coding-DNA position 1478, one base duplicated (G; older notation c.1478dupG).
Protein change: p.Val494fs; shifts the reading frame from valine 494.
Molecular consequence: frameshift variant.
Genome position (GRCh38, 1-based): chrX:50,086,791, G duplicated; the last of 3 consecutive G bases (chrX:50,086,789-50,086,791); duplicating any one gives the same sequence. VCF-style (leftmost placement, unchanged base first): chrX-50086788-T-TG. GRCh37 (hg19) VCF-style: chrX-49851445-T-TG.
Other names: c.1268dup, p.Val424fs (NM_000084.5); c.1478dup, p.Val494fs (NM_001127899.4); c.1328dup, p.Val444fs (NM_001282163.2); short protein forms V424fs, V444fs, V494fs.
Identifiers: ClinVar variation 2040636 (VCV002040636.4), dbSNP rs2519435176, ClinGen allele CA2580101149.